The following is an entry in ClinVar:

ClinVar aggregate classification (germline): Uncertain significance. Review status: criteria provided, multiple submitters, no conflicts (2 of 4 stars). 2 submissions from 2 submitters: Uncertain significance (2). Last evaluated 2025-06-25.

Conditions:
Inborn genetic diseases. Identifiers: MedGen C0950123, MeSH D030342.

Allele frequency attached by ClinVar (database versions not stated): gnomAD exomes below 0.00001; TOPMed below 0.00001; ExAC 0.00001.
gnomAD v4.1: 4 of 1,614,220 alleles (0.00025%); highest among the groups gnomAD compares: African/African-American, 0.004%; no homozygotes.

Submissions (2):

Ambry Genetics
Classification: Uncertain significance for Inborn genetic diseases. Last evaluated: 2025-06-25. Review status: criteria provided, single submitter. Criteria: Ambry Variant Classification Scheme 2023. Collection method: clinical testing. Allele origin: germline.

Labcorp Genetics (formerly Invitae), Labcorp
Classification: Uncertain significance. Last evaluated: 2022-04-17. Review status: criteria provided, single submitter. Criteria: Invitae Variant Classification Sherloc (09022015). Collection method: clinical testing. Allele origin: germline.
Comment: This sequence change replaces leucine, which is neutral and non-polar, with isoleucine, which is neutral and non-polar, at codon 112 of the ADAMTS18 protein (p.Leu112Ile). This variant is present in population databases (rs746759930, gnomAD 0.003%). This variant has not been reported in the literature in individuals affected with ADAMTS18-related conditions. Algorithms developed to predict the effect of missense changes on protein structure and function are either unavailable or do not agree on the potential impact of this missense change (SIFT: "Not Available"; PolyPhen-2: "Probably Damaging"; Align-GVGD: "Not Available"). In summary, the available evidence is currently insufficient to determine the role of this variant in disease. Therefore, it has been classified as a Variant of Uncertain Significance.

NM_199355.4(ADAMTS18):c.334C>A (p.Leu112Ile)

Gene: ADAMTS18 (ADAM metallopeptidase with thrombospondin type 1 motif 18; minus strand). Cytogenetic location: 16q23.1.
Variant type: single nucleotide variant.
Coding change: c.334C>A on transcript NM_199355.4 (MANE Select); coding-DNA position 334, C replaced by A.
Protein change: p.Leu112Ile; replaces leucine 112 with isoleucine.
Molecular consequence: missense variant. On other transcripts: 5 prime UTR variant (1).
Genome position (GRCh38, 1-based): chr16:77,431,456, G>T on the plus strand (C>A on the coding strand, the complement: ADAMTS18 is on the minus strand). VCF-style: chr16-77431456-G-T. GRCh37 (hg19) VCF-style: chr16-77465353-G-T.
Other names: c.-187C>A (NM_001326358.2); c.334C>A (NM_199355.2); short protein forms L112I.
Identifiers: ClinVar variation 1924826 (VCV001924826.3), dbSNP rs746759930, ClinGen allele CA8181709.